The following is an entry in ClinVar:

NM_006059.4(LAMC3):c.1519+286G>A

Gene: LAMC3 (laminin subunit gamma 3; plus strand). Cytogenetic location: 9q34.12.
Variant type: single nucleotide variant.
Coding change: c.1519+286G>A on transcript NM_006059.4 (MANE Select); 286 bases into the intron after coding-DNA position 1519, G replaced by A.
Molecular consequence: intron variant.
Genome position (GRCh38, 1-based): chr9:131,045,946, G>A. VCF-style: chr9-131045946-G-A. GRCh37 (hg19) VCF-style: chr9-133921333-G-A.
Identifiers: ClinVar variation 684032 (VCV000684032.1), dbSNP rs11244257, ClinGen allele CA13020993.

ClinVar aggregate classification (germline): Benign (1 of 4 stars; one submission).

Allele frequency attached by ClinVar (database versions not stated): 1000 Genomes Project 0.16054; gnomAD 0.18829; 1000 Genomes Project 30x 0.15475; TOPMed 0.19240.
gnomAD v4.1: 29,765 of 152,120 alleles (20%); highest among the groups gnomAD compares: Admixed American, 26%; 3,588 homozygotes.

Submission:

GeneDx
Classification: Benign. Last evaluated: 2018-06-19. Review status: criteria provided, single submitter. Criteria: GeneDx Variant Classification (06012015). Collection method: clinical testing. Allele origin: germline. Affected: yes.
Comment: This variant is considered likely benign or benign based on one or more of the following criteria: it is a conservative change, it occurs at a poorly conserved position in the protein, it is predicted to be benign by multiple in silico algorithms, and/or has population frequency not consistent with disease.